The following is an entry in ClinVar:

NM_004329.3(BMPR1A):c.764G>A (p.Gly255Asp)

Gene: BMPR1A (bone morphogenetic protein receptor type 1A; plus strand). Cytogenetic location: 10q23.2.
Variant type: single nucleotide variant.
Coding change: c.764G>A on transcript NM_004329.3 (MANE Select); coding-DNA position 764, G replaced by A.
Protein change: p.Gly255Asp; replaces glycine 255 with aspartic acid.
Molecular consequence: missense variant.
Genome position (GRCh38, 1-based): chr10:86,917,222, G>A. VCF-style: chr10-86917222-G-A. GRCh37 (hg19) VCF-style: chr10-88676979-G-A.
Other names: short protein forms G255D.
Identifiers: ClinVar variation 1346409 (VCV001346409.12), dbSNP rs1843585065, ClinGen allele CA377457764.

ClinVar aggregate classification (germline): Uncertain significance. Review status: criteria provided, multiple submitters, no conflicts (2 of 4 stars). 3 submissions from 3 submitters: Uncertain significance (3). Last evaluated 2024-08-07.

Conditions:
Hereditary cancer-predisposing syndrome. Also called: Hereditary Cancer Syndrome; Neoplastic Syndromes, Hereditary; Tumor predisposition; Hereditary neoplastic syndrome. Identifiers: Orphanet 140162, MedGen C0027672, MeSH D009386, MONDO:0015356.
Juvenile polyposis syndrome (JPS). Identifiers: Orphanet 2929, MedGen C0345893, MONDO:0017380, OMIM 174900.

Allele frequency attached by ClinVar (database versions not stated): gnomAD exomes below 0.00001.
gnomAD v4.1: 4 of 1,614,052 alleles (0.00025%); highest among the groups gnomAD compares: African/African-American, 0.0027%; no homozygotes.

Submissions (3):

Labcorp Genetics (formerly Invitae), Labcorp
Classification: Uncertain significance for Juvenile polyposis syndrome. Last evaluated: 2024-08-07. Review status: criteria provided, single submitter. Criteria: Invitae Variant Classification Sherloc (09022015). Collection method: clinical testing. Allele origin: germline.
Comment: This sequence change replaces glycine, which is neutral and non-polar, with aspartic acid, which is acidic and polar, at codon 255 of the BMPR1A protein (p.Gly255Asp). This variant is not present in population databases (gnomAD no frequency). This variant has not been reported in the literature in individuals affected with BMPR1A-related conditions. ClinVar contains an entry for this variant (Variation ID: 1346409). Advanced modeling of protein sequence and biophysical properties (such as structural, functional, and spatial information, amino acid conservation, physicochemical variation, residue mobility, and thermodynamic stability) has been performed at Invitae for this missense variant, however the output from this modeling did not meet the statistical confidence thresholds required to predict the impact of this variant on BMPR1A protein function. In summary, the available evidence is currently insufficient to determine the role of this variant in disease. Therefore, it has been classified as a Variant of Uncertain Significance.

Ambry Genetics
Classification: Uncertain significance for Hereditary cancer-predisposing syndrome. Last evaluated: 2024-04-17. Review status: criteria provided, single submitter. Criteria: Ambry Variant Classification Scheme 2023. Collection method: clinical testing. Allele origin: germline.
Comment: The p.G255D variant (also known as c.764G>A), located in coding exon 7 of the BMPR1A gene, results from a G to A substitution at nucleotide position 764. The glycine at codon 255 is replaced by aspartic acid, an amino acid with similar properties. This amino acid position is highly conserved in available vertebrate species. In addition, this alteration is predicted to be deleterious by in silico analysis. Since supporting evidence is limited at this time, the clinical significance of this alteration remains unclear.

All of Us Research Program, National Institutes of Health
Classification: Uncertain significance for Juvenile polyposis syndrome. Last evaluated: 2023-05-04. Review status: criteria provided, single submitter. Criteria: ACMG Guidelines, 2015. Collection method: clinical testing. Allele origin: germline. Inheritance: Autosomal dominant inheritance. Observed: 1 variant allele, 1 heterozygote.
Comment: This missense variant replaces glycine with aspartic acid at codon 255 of the BMPR1A protein. Computational prediction suggests that this variant may have deleterious impact on protein structure and function (internally defined REVEL score threshold >= 0.7, PMID: 27666373). To our knowledge, functional studies have not been reported for this variant. This variant has not been reported in individuals affected with BMPR1A-related disorders in the literature. This variant has not been identified in the general population by the Genome Aggregation Database (gnomAD). The available evidence is insufficient to determine the role of this variant in disease conclusively. Therefore, this variant is classified as a Variant of Uncertain Significance.

This study involves interpretation of variants in research participants for the purpose of population health screening. Participant phenotype was not available at the time of variant classification. Additional details can be found in publication PMID: 35346344, PMCID: PMC8962531